The following is an entry in ClinVar:

ClinVar aggregate classification (germline): Uncertain significance. Review status: criteria provided, multiple submitters, no conflicts (2 of 4 stars). 2 submissions from 2 submitters: Uncertain significance (2). Last evaluated 2025-09-24.

Conditions:
Inborn genetic diseases. Identifiers: MedGen C0950123, MeSH D030342.
Charcot-Marie-Tooth disease type 4. Also called: Charcot-Marie-Tooth disease, type IV; Charcot-Marie-Tooth, Type 4. Identifiers: Orphanet 64749, MedGen C4082197, MONDO:0018995.

Allele frequency attached by ClinVar (database versions not stated): gnomAD exomes 0.00001 and below 0.00001; TOPMed 0.00003; ExAC 0.00001; gnomAD 0.00002.
gnomAD v4.1: 9 of 1,613,972 alleles (0.00056%); highest among the groups gnomAD compares: African/African-American, 0.011%; no homozygotes.

Submissions (2):

Ambry Genetics
Classification: Uncertain significance for Inborn genetic diseases. Last evaluated: 2025-09-24. Review status: criteria provided, single submitter. Criteria: Ambry Variant Classification Scheme 2023. Collection method: clinical testing. Allele origin: germline.

Labcorp Genetics (formerly Invitae), Labcorp
Classification: Uncertain significance for Charcot-Marie-Tooth disease type 4. Last evaluated: 2021-08-30. Review status: criteria provided, single submitter. Criteria: Invitae Variant Classification Sherloc (09022015). Collection method: clinical testing. Allele origin: germline.
Comment: This sequence change replaces glycine with alanine at codon 1077 of the SBF2 protein (p.Gly1077Ala). The glycine residue is moderately conserved and there is a small physicochemical difference between glycine and alanine. This variant is present in population databases (rs775746690, ExAC 0.01%). This variant has not been reported in the literature in individuals affected with SBF2-related conditions. Algorithms developed to predict the effect of missense changes on protein structure and function (SIFT, PolyPhen-2, Align-GVGD) all suggest that this variant is likely to be tolerated. In summary, the available evidence is currently insufficient to determine the role of this variant in disease. Therefore, it has been classified as a Variant of Uncertain Significance.

NM_030962.4(SBF2):c.3230G>C (p.Gly1077Ala)

Genes: SBF2 (SET binding factor 2; minus strand), LOC101928008 (uncharacterized LOC101928008; plus strand). Cytogenetic location: 11p15.4.
Variant type: single nucleotide variant.
Coding change: c.3230G>C on transcript NM_030962.4 (MANE Select); coding-DNA position 3230, G replaced by C.
Protein change: p.Gly1077Ala; replaces glycine 1077 with alanine.
Molecular consequence: missense variant.
Genome position (GRCh38, 1-based): chr11:9,842,651, C>G on the plus strand (G>C on the coding strand, the complement: SBF2 is on the minus strand). VCF-style: chr11-9842651-C-G. GRCh37 (hg19) VCF-style: chr11-9864198-C-G.
Other names: c.3230G>C, p.Gly1077Ala (NM_001386339.1); c.3101G>C, p.Gly1034Ala (NM_001386342.1); short protein forms G1077A, G1034A.
Identifiers: ClinVar variation 858997 (VCV000858997.8), dbSNP rs775746690, ClinGen allele CA5881341.